The following is an entry in ClinVar:

NM_014363.6(SACS):c.1066A>C (p.Ile356Leu)

Gene: SACS (sacsin molecular chaperone; minus strand). Cytogenetic location: 13q12.12.
Variant type: single nucleotide variant.
Coding change: c.1066A>C on transcript NM_014363.6 (MANE Select); coding-DNA position 1066, A replaced by C.
Protein change: p.Ile356Leu; replaces isoleucine 356 with leucine.
Molecular consequence: missense variant.
Genome position (GRCh38, 1-based): chr13:23,355,546, T>G on the plus strand (A>C on the coding strand, the complement: SACS is on the minus strand). VCF-style: chr13-23355546-T-G. GRCh37 (hg19) VCF-style: chr13-23929685-T-G.
Other names: c.625A>C, p.Ile209Leu (NM_001278055.2); short protein forms I356L, I209L.
Identifiers: ClinVar variation 287301 (VCV000287301.29), dbSNP rs148286091, ClinGen allele CA6911977.

ClinVar aggregate classification (germline): Conflicting classifications of pathogenicity. Review status: criteria provided, conflicting classifications (1 of 4 stars). 8 submissions from 8 submitters: Uncertain significance (1); Benign (1); Likely benign (4). 2 of the submissions do not count toward it. Last evaluated 2026-01-28.

Conditions:
SACS-related disorder. Also called: SACS-related condition.
Spastic paraplegia. Identifiers: MedGen C0037772, HP:0001258.
Charlevoix-Saguenay spastic ataxia (SACS). Also called: SPASTIC ATAXIA 6, AUTOSOMAL RECESSIVE; AUTOSOMAL RECESSIVE SPASTIC ATAXIA OF CHARLEVOIX-SAGUENAY; Spastic ataxia of Charlevoix-Saguenay. Identifiers: Orphanet 98, MedGen C1849140, MONDO:0010041, OMIM 270550.

Allele frequency attached by ClinVar (database versions not stated): 1000 Genomes Project 30x 0.00125; 1000 Genomes Project 0.00140; ESP Exome Variant Server 0.00200; TOPMed 0.00144.
gnomAD v4.1: 409 of 1,614,164 alleles (0.025%); highest among the groups gnomAD compares: African/African-American, 0.5%; 3 homozygotes.

Submissions (8):

Labcorp Genetics (formerly Invitae), Labcorp
Classification: Likely benign for Spastic paraplegia. Last evaluated: 2026-01-28. Review status: criteria provided, single submitter. Criteria: Invitae Variant Classification Sherloc (09022015). Collection method: clinical testing. Allele origin: germline.

Genome-Nilou Lab
Classification: Likely benign for Charlevoix-Saguenay spastic ataxia. Last evaluated: 2021-09-05. Review status: criteria provided, single submitter. Criteria: ACMG Guidelines, 2015. Collection method: clinical testing. Allele origin: germline. Affected: no.

GeneDx
Classification: Likely benign. Last evaluated: 2021-06-22. Review status: criteria provided, single submitter. Criteria: GeneDx Variant Classification Process June 2021. Collection method: clinical testing. Allele origin: germline. Affected: yes.

Athena Diagnostics
Classification: Benign. Last evaluated: 2021-03-31. Review status: criteria provided, single submitter. Criteria: Athena Diagnostics criteria. Collection method: clinical testing. Allele origin: unknown.

Mayo Clinic Laboratories, Mayo Clinic
Classification: Uncertain significance. Last evaluated: 2020-02-03. Review status: criteria provided, single submitter. Criteria: ACMG Guidelines, 2015. Collection method: clinical testing. Allele origin: germline. Observed: 1 variant allele.

Eurofins Ntd Llc (ga)
Classification: Likely benign. Last evaluated: 2016-05-13. Review status: criteria provided, single submitter. Criteria: EGL Classification Definitions 2015. Collection method: clinical testing. Allele origin: germline. Observed: 1 variant allele, 1 heterozygote.

PreventionGenetics, part of Exact Sciences
Classification: Likely benign for SACS-related condition. Last evaluated: 2023-05-24. Review status: no assertion criteria provided. Collection method: clinical testing. Allele origin: germline. Not counted in ClinVar's aggregate classification.
Comment: This variant is classified as likely benign based on ACMG/AMP sequence variant interpretation guidelines (Richards et al. 2015 PMID: 25741868, with internal and published modifications).

Natera, Inc.
Classification: Likely benign for Charlevoix-Saguenay type spastic ataxia. Last evaluated: 2021-02-26. Review status: no assertion criteria provided. Collection method: clinical testing. Allele origin: germline. Not counted in ClinVar's aggregate classification.